The following is an entry in ClinVar:

ClinVar aggregate classification (germline): Pathogenic (1 of 4 stars; one submission).

Conditions:
Usher syndrome type 1 (USH1). Also called: RETINITIS PIGMENTOSA AND CONGENITAL DEAFNESS. Identifiers: Orphanet 231169, Orphanet 886, MedGen C1568247, MONDO:0010168, OMIM 276900.

Submission:

Institute of Rare Diseases, West China Hospital, Sichuan University
Classification: Pathogenic for Usher syndrome type 1. Last evaluated: 2025-01-09. Review status: criteria provided, single submitter. Criteria: ClinGen HL ACMG Specifications v1. Collection method: research. Allele origin: germline. Affected: yes.
Comment: PVS1;PP4;PM2_Supporting

NM_000260.4(MYO7A):c.3504-2A>C

Gene: MYO7A (myosin VIIA; plus strand). Cytogenetic location: 11q13.5.
Variant type: single nucleotide variant.
Coding change: c.3504-2A>C on transcript NM_000260.4 (MANE Select); the canonical splice acceptor site of the intron before coding-DNA position 3504, A replaced by C.
Molecular consequence: splice acceptor variant.
Genome position (GRCh38, 1-based): chr11:77,189,342, A>C. VCF-style: chr11-77189342-A-C. GRCh37 (hg19) VCF-style: chr11-76900387-A-C.
Other names: c.3471-2A>C (NM_001369365.1); c.3504-2A>C (NM_001127180.2).
Identifiers: ClinVar variation 3601472 (VCV003601472.1).
Genomic context (GRCh38, chr11:77,189,342, plus strand): 5'-GGTGGGGACCGGGGCTGTTCCTGTGGGGTGATTCCCCCTCCCTTGCCCTGCTGCCTGCCC[A>C]GGGACGAGATCTACTGCCAGATCAGCAAGCAGCTGACCCACAACCCCTCCAAGAGCAGCT-3'